The following is an entry in ClinVar:

ClinVar aggregate classification (germline): Conflicting classifications of pathogenicity. Review status: criteria provided, conflicting classifications (1 of 4 stars). 5 submissions from 5 submitters: Uncertain significance (1); Benign (1); Likely benign (3). Last evaluated 2025-12-17.

Conditions:
FG syndrome (FGS). Identifiers: MedGen C0220769, MONDO:0002010.
Familial thoracic aortic aneurysm and aortic dissection (TAAD). Also called: Thoracic aortic aneurysms and dissections. Identifiers: Orphanet 91387, MedGen C4707243, MONDO:0019625.
MED12-Related Disorders. Also called: MED12-related condition; MED12-related disorder. Identifiers: MedGen CN381102.

Allele frequency attached by ClinVar (database versions not stated): gnomAD exomes 0.00001; TOPMed 0.00001; ExAC 0.00002; ESP Exome Variant Server 0.00010.
gnomAD v4.1: 13 of 1,211,529 alleles (0.0011%); highest among the groups gnomAD compares: Non-Finnish European, 0.0013%; no homozygotes.

Submissions (5):

Labcorp Genetics (formerly Invitae), Labcorp
Classification: Benign for FG syndrome. Last evaluated: 2025-12-17. Review status: criteria provided, single submitter. Criteria: Invitae Variant Classification Sherloc (09022015). Collection method: clinical testing. Allele origin: germline.

CeGaT Center for Human Genetics Tuebingen
Classification: Likely benign. Last evaluated: 2025-08-01. Review status: criteria provided, single submitter. Criteria: CeGaT Center For Human Genetics Tuebingen Variant Classification Criteria Version 2. Collection method: clinical testing. Allele origin: germline. Affected: yes. Observed: 1 variant allele.
Comment: MED12: BP4, BP7, BS2

PreventionGenetics, part of Exact Sciences
Classification: Likely benign for MED12-related condition. Last evaluated: 2025-07-29. Review status: criteria provided, single submitter. Criteria: ACMG Guidelines, 2015. Collection method: clinical testing. Allele origin: germline.
Comment: This variant is classified as likely benign based on ACMG/AMP sequence variant interpretation guidelines (Richards et al. 2015 PMID: 25741868, with internal and published modifications).

Blueprint Genetics
Classification: Likely benign. Last evaluated: 2024-07-01. Review status: criteria provided, single submitter. Criteria: ACMG Guidelines, 2015. Collection method: clinical testing. Allele origin: germline.

Ambry Genetics
Classification: Uncertain significance for Familial thoracic aortic aneurysm and aortic dissection. Last evaluated: 2024-05-13. Review status: criteria provided, single submitter. Criteria: Ambry Variant Classification Scheme 2023. Collection method: clinical testing. Allele origin: germline.
Comment: The c.2727C>T variant (also known as p.L909L), located in coding exon 20 of the MED12 gene, results from a C to T substitution at nucleotide position 2727. This nucleotide substitution does not change the leucine at codon 909. Based on data from gnomAD, the T allele has an overall frequency of 0.0017% (3/181692) total alleles studied, with 2 hemizygote(s) observed. The highest observed frequency was 0.0037% (3/81460) of European (non-Finnish) alleles. This nucleotide position is not well conserved in available vertebrate species. In silico splice site analysis for this alteration is inconclusive. Based on the available evidence, the clinical significance of this variant remains unclear.

NM_005120.3(MED12):c.2727C>T (p.Leu909=)

Gene: MED12 (mediator complex subunit 12; plus strand). Cytogenetic location: Xq13.1.
Variant type: single nucleotide variant.
Coding change: c.2727C>T on transcript NM_005120.3 (MANE Select); coding-DNA position 2727, C replaced by T.
Protein change: p.Leu909=; no amino-acid change (leucine 909 retained).
Molecular consequence: synonymous variant.
Genome position (GRCh38, 1-based): chrX:71,127,010, C>T. VCF-style: chrX-71127010-C-T. GRCh37 (hg19) VCF-style: chrX-70346860-C-T.
Other names: c.2727C>T (NM_005120.2).
Identifiers: ClinVar variation 2084820 (VCV002084820.15), dbSNP rs372816429, ClinGen allele CA10444398.
Genomic context (GRCh38, chrX:71,127,010, plus strand): 5'-CCCCCGTTTACTCTGCTAGCTGCTGAATGAACTGAGTGTAGTTGAGGCTGAGCTGCTTCT[C>T]AAATCCTCGGATCTGGTGGGCAGCTACACTACTAGCCTGTGCCTGTGCATCGTGGCTGTC-3'
Protein context (NP_005111.2, residues 899-919): ELSVVEAELL[Leu909=]KSSDLVGSYT